The following is an entry in ClinVar:

NM_000431.4(MVK):c.1049A>C (p.Gln350Pro)

Gene: MVK (mevalonate kinase; plus strand). Cytogenetic location: 12q24.11.
Variant type: single nucleotide variant.
Coding change: c.1049A>C on transcript NM_000431.4 (MANE Select); coding-DNA position 1049, A replaced by C.
Protein change: p.Gln350Pro; replaces glutamine 350 with proline.
Molecular consequence: missense variant. On other transcripts: non-coding transcript variant (4).
Genome position (GRCh38, 1-based): chr12:109,596,435, A>C. VCF-style: chr12-109596435-A-C. GRCh37 (hg19) VCF-style: chr12-110034240-A-C.
Other names: c.1049A>C, p.Gln350Pro (NM_001114185.3, NM_001414511.1); c.893A>C, p.Gln298Pro (NM_001301182.2); c.1124A>C, p.Gln375Pro (NM_001414512.1); c.1060A>C, p.Ser354Arg (NM_001414513.1); c.904A>C, p.Ser302Arg (NM_001414514.1); c.467A>C, p.Gln156Pro (NM_001414515.1); short protein forms Q156P, Q298P, Q350P, Q375P, S302R, S354R.
Identifiers: ClinVar variation 2636047 (VCV002636047.4), dbSNP rs770598765, ClinGen allele CA6779450.

ClinVar aggregate classification (germline): Uncertain significance. Review status: criteria provided, multiple submitters, no conflicts (2 of 4 stars). 3 submissions from 3 submitters: Uncertain significance (3). Last evaluated 2024-06-04.

Conditions:
Mevalonic aciduria (MEVA). Identifiers: Orphanet 29, MedGen C1959626, MONDO:0012481, OMIM 610377.
Porokeratosis 3, disseminated superficial actinic type (POROK3). Also called: POROKERATOSIS, DISSEMINATED SUPERFICIAL ACTINIC, 1; POROKERATOSIS 3, MULTIPLE TYPES; POROKERATOSIS 3, MIBELLI TYPE. Identifiers: MedGen C1867981, MONDO:0008293, OMIM 175900.
Hyperimmunoglobulin D with periodic fever (HIDS). Also called: Hyperimmunoglobulinemia D; HYPERIMMUNOGLOBULINEMIA D AND PERIODIC FEVER SYNDROME; Hyperimmunoglobulinemia D with periodic fever. Identifiers: Orphanet 343, MedGen C0398691, MONDO:0009849, OMIM 260920.
MVK-related disorder. Also called: MVK-related condition; MVK-related disorders. Identifiers: MedGen CN239294.

Allele frequency attached by ClinVar (database versions not stated): ExAC 0.00001; gnomAD 0.00001; gnomAD exomes 0.00001; TOPMed 0.00001.

Submissions (3):

Labcorp Genetics (formerly Invitae), Labcorp
Classification: Uncertain significance for Mevalonic aciduria; Hyperimmunoglobulin D with periodic fever; Porokeratosis 3, disseminated superficial actinic type. Last evaluated: 2024-06-04. Review status: criteria provided, single submitter. Criteria: Invitae Variant Classification Sherloc (09022015). Collection method: clinical testing. Allele origin: germline.
Comment: This sequence change replaces glutamine, which is neutral and polar, with proline, which is neutral and non-polar, at codon 350 of the MVK protein (p.Gln350Pro). This variant is present in population databases (rs770598765, gnomAD 0.002%). This variant has not been reported in the literature in individuals affected with MVK-related conditions. ClinVar contains an entry for this variant (Variation ID: 2636047). Advanced modeling of protein sequence and biophysical properties (such as structural, functional, and spatial information, amino acid conservation, physicochemical variation, residue mobility, and thermodynamic stability) performed at Invitae indicates that this missense variant is not expected to disrupt MVK protein function with a negative predictive value of 80%. In summary, the available evidence is currently insufficient to determine the role of this variant in disease. Therefore, it has been classified as a Variant of Uncertain Significance.

Blueprint Genetics
Classification: Uncertain significance. Last evaluated: 2023-09-11. Review status: criteria provided, single submitter. Criteria: ACMG Guidelines, 2015. Collection method: clinical testing. Allele origin: germline.

PreventionGenetics, part of Exact Sciences
Classification: Uncertain significance for MVK-related condition. Last evaluated: 2023-06-30. Review status: criteria provided, single submitter. Criteria: ACMG Guidelines, 2015. Collection method: clinical testing. Allele origin: germline.
Comment: The MVK c.1049A>C variant is predicted to result in the amino acid substitution p.Gln350Pro. To our knowledge, this variant has not been reported in the literature. This variant is reported in 0.00090% of alleles in individuals of European (Non-Finnish) descent in gnomAD. At this time, the clinical significance of this variant is uncertain due to the absence of conclusive functional and genetic evidence.